The following is an entry in ClinVar:

NM_001999.4(FBN2):c.83G>A (p.Gly28Asp)

Gene: FBN2 (fibrillin 2; minus strand). Cytogenetic location: 5q23.3.
Variant type: single nucleotide variant.
Coding change: c.83G>A on transcript NM_001999.4 (MANE Select); coding-DNA position 83, G replaced by A.
Protein change: p.Gly28Asp; replaces glycine 28 with aspartic acid.
Molecular consequence: missense variant.
Genome position (GRCh38, 1-based): chr5:128,537,521, C>T on the plus strand (G>A on the coding strand, the complement: FBN2 is on the minus strand). VCF-style: chr5-128537521-C-T. GRCh37 (hg19) VCF-style: chr5-127873214-C-T.
Other names: short protein forms G28D.
Identifiers: ClinVar variation 3045891 (VCV003045891.2), dbSNP rs1040280257, ClinGen allele CA127059171.

ClinVar aggregate classification (germline): Uncertain significance (0 of 4 stars; one submission).

Conditions:
FBN2-related disorder. Also called: FBN2-related condition.

Allele frequency attached by ClinVar (database versions not stated): gnomAD 0.00001.
gnomAD v4.1: 6 of 1,576,532 alleles (0.00038%); highest among the groups gnomAD compares: Non-Finnish European, 0.00034%; no homozygotes.

Submission:

PreventionGenetics, part of Exact Sciences
Classification: Uncertain significance for FBN2-related condition. Last evaluated: 2024-02-07. Review status: no assertion criteria provided. Collection method: clinical testing. Allele origin: germline.
Comment: The FBN2 c.83G>A variant is predicted to result in the amino acid substitution p.Gly28Asp. To our knowledge, this variant has not been reported in the literature. This variant is reported in 0.0% of alleles in individuals of African descent in gnomAD. At this time, the clinical significance of this variant is uncertain due to the absence of conclusive functional and genetic evidence.